The following is an entry in ClinVar:

NM_000277.3(PAH):c.398del (p.Asn133fs)

Gene: PAH (phenylalanine hydroxylase; minus strand). Cytogenetic location: 12q23.2.
Variant type: Deletion.
Coding change: c.398del on transcript NM_000277.3 (MANE Select); coding-DNA position 398, one base deleted (A; older notation c.398delA).
Protein change: p.Asn133fs; shifts the reading frame from asparagine 133.
Molecular consequence: frameshift variant.
Genome position (GRCh38, 1-based): chr12:102,877,505, T deleted on the plus strand (A on the coding strand, the reverse complement: PAH is on the minus strand); the first of 2 consecutive T bases (chr12:102,877,505-102,877,506); deleting either gives the same sequence. VCF-style (leftmost placement, unchanged base first): chr12-102877504-AT-A. GRCh37 (hg19) VCF-style: chr12-103271282-AT-A.
Other names: c.398del, p.Asn133fs (NM_001354304.2); short protein forms N133fs.
Identifiers: ClinVar variation 5016062 (VCV005016062.1).
Genomic context (GRCh38, chr12:102,877,504, plus strand): 5'-TACGGGCCATGGACTCACAGGGTGGTCAGCATCCAGTTCCGCTCCATAGCTGAGAATCTG[AT>A]TGGCAAATCTGTCCAGCTCTTGAATGGTTCTTGGGAACCAGGGCACTGAAACACAGAGAA-3'

ClinVar aggregate classification (germline): Pathogenic (1 of 4 stars; one submission).

Conditions:
Phenylketonuria (PKU). Also called: FOLLING DISEASE; OLIGOPHRENIA PHENYLPYRUVICA; Phenylketonurias; Phenylketonuria (PKU). Identifiers: Orphanet 716, MedGen C0031485, MONDO:0009861, OMIM 261600. Disease mechanism: loss of function.

Submission:

Myriad Genetics, Inc.
Classification: Pathogenic for Phenylketonuria. Last evaluated: 2026-06-21. Review status: criteria provided, single submitter. Criteria: Myriad Autosomal Dominant, Autosomal Recessive and X-Linked Classification Criteria (2023). Collection method: clinical testing. Allele origin: unknown.
Comment: NM_000277.1(PAH):c.398delA(N133Ifs*62) is expected to be pathogenic in the context of phenylalanine hydroxylase deficiency. This variant is predicted to lead to an abnormal or absent protein product due to the creation of a premature termination codon in PAH, a gene where loss-of-function variants are known to be pathogenic. Please note: this variant was assessed in the context of healthy population screening.